The following is an entry in ClinVar:

GRCh37/hg19 1q21.1-21.2(chr1:145895747-147962980)x1

Genes: ACP6 (acid phosphatase 6, lysophosphatidic; minus strand), BCL9 (BCL9 transcription coactivator; plus strand), CHD1L (chromodomain helicase DNA binding protein 1 like; plus strand), FMO5 (flavin containing dimethylaniline monoxygenase 5; minus strand), GJA5 (gap junction protein alpha 5; minus strand) and 5 more. Cytogenetic location: 1q21.1-21.2.
Variant type: copy number loss.
Change: copy number 1 (one copy instead of two) of chr1:145,895,747-147,962,980 (2.07 Mb, GRCh37 coordinates, 1-based), cytogenetic band 1q21.1-21.2.
Identifiers: ClinVar variation 1808631 (VCV001808631.1).

ClinVar aggregate classification (germline): Pathogenic (1 of 4 stars; one submission).

Submission:

Quest Diagnostics Nichols Institute San Juan Capistrano
Classification: Pathogenic. Last evaluated: 2022-04-18. Review status: criteria provided, single submitter. Criteria: ACMG/ClinGen CNV Guidelines, 2019. Collection method: clinical testing. Allele origin: unknown.
Comment: The copy number loss of 1q21.1q21.2 involves multiple genes, and is associated with the 1q21.1 deletion syndrome (OMIM 612474). De novo and inherited deletions of this locus have been associated with a broad range of features including developmental delay, mild intellectual disability, microcephaly, eye abnormalities, and mildly dysmorphic features. Cardiac defects, genitourinary anomalies, skeletal malformations, and seizures are additional common features. Inheritance from a normal or mildly affected parent has been reported, suggesting incomplete penetrance and variable expressivity. See GeneReviews for additional information and references.